The following is an entry in ClinVar:

NM_001029871.4(RSPO4):c.641G>A (p.Arg214His)

Gene: RSPO4 (R-spondin 4; minus strand). Cytogenetic location: 20p13.
Variant type: single nucleotide variant.
Coding change: c.641G>A on transcript NM_001029871.4 (MANE Select); coding-DNA position 641, G replaced by A.
Protein change: p.Arg214His; replaces arginine 214 with histidine.
Molecular consequence: missense variant.
Genome position (GRCh38, 1-based): chr20:960,421, C>T on the plus strand (G>A on the coding strand, the complement: RSPO4 is on the minus strand). VCF-style: chr20-960421-C-T. GRCh37 (hg19) VCF-style: chr20-941064-C-T.
Other names: c.455G>A, p.Arg152His (NM_001040007.3); short protein forms R152H, R214H.
Identifiers: ClinVar variation 3902993 (VCV003902993.1).

ClinVar aggregate classification (germline): Uncertain significance (1 of 4 stars; one submission).

gnomAD v4.1: 49 of 1,539,732 alleles (0.0032%); highest among the groups gnomAD compares: Middle Eastern, 0.017%; no homozygotes.

Submission:

GeneDx
Classification: Uncertain significance. Last evaluated: 2024-12-11. Review status: criteria provided, single submitter. Criteria: GeneDx Variant Classification Process June 2021. Collection method: clinical testing. Allele origin: germline. Affected: yes.
Comment: In silico analysis indicates that this missense variant does not alter protein structure/function; Has not been previously published as pathogenic or benign to our knowledge